The following is an entry in ClinVar:

ClinVar aggregate classification (germline): Uncertain significance (1 of 4 stars; one submission).

Conditions:
Developmental and epileptic encephalopathy 92. Also called: EPILEPTIC ENCEPHALOPATHY, INFANTILE OR EARLY CHILDHOOD, 2. Identifiers: MedGen C4693362, MONDO:0020631, OMIM 617829.

Submission:

MGZ Medical Genetics Center
Classification: Uncertain significance for Developmental and epileptic encephalopathy 92. Last evaluated: 2022-02-24. Review status: criteria provided, single submitter. Criteria: ACMG Guidelines, 2015. Collection method: clinical testing. Allele origin: germline. Affected: yes. Observed: 1 variant allele.
Comment: ACMG criteria applied: PM2_SUP, PP2

NM_001371727.1(GABRB2):c.1271T>C (p.Leu424Pro)

Gene: GABRB2 (gamma-aminobutyric acid type A receptor subunit beta2; minus strand). Cytogenetic location: 5q34.
Variant type: single nucleotide variant.
Coding change: c.1271T>C on transcript NM_001371727.1 (MANE Select); coding-DNA position 1271, T replaced by C.
Protein change: p.Leu424Pro; replaces leucine 424 with proline.
Molecular consequence: missense variant.
Genome position (GRCh38, 1-based): chr5:161,294,349, A>G on the plus strand (T>C on the coding strand, the complement: GABRB2 is on the minus strand). VCF-style: chr5-161294349-A-G. GRCh37 (hg19) VCF-style: chr5-160721356-A-G.
Other names: c.1157T>C, p.Leu386Pro (NM_000813.3); c.1271T>C, p.Leu424Pro (NM_021911.3); short protein forms L386P, L424P.
Identifiers: ClinVar variation 1710013 (VCV001710013.2), dbSNP rs2546532786, ClinGen allele CA362173497.
Genomic context (GRCh38, chr5:161,294,349, plus strand): 5'-GCTTTCCGATACTGGATGCTGGAGGCATCATAGGCTAGCATTGTGCTTCTGGGGTCTCCA[A>G]GTCCCATCACAGCCTCAGATGTGGCCATTTCATTTTTTATCTCGAGAGTGCTCAGTAAGA-3'
Protein context (NP_001358656.1, residues 414-434): EMATSEAVMG[Leu424Pro]GDPRSTMLAY